The following is an entry in ClinVar:

NM_006267.5(RANBP2):c.5123A>G (p.Glu1708Gly)

Gene: RANBP2 (RAN binding protein 2; plus strand). Cytogenetic location: 2q13.
Variant type: single nucleotide variant.
Coding change: c.5123A>G on transcript NM_006267.5 (MANE Select); coding-DNA position 5123, A replaced by G.
Protein change: p.Glu1708Gly; replaces glutamic acid 1708 with glycine.
Molecular consequence: missense variant.
Genome position (GRCh38, 1-based): chr2:108,765,662, A>G. VCF-style: chr2-108765662-A-G. GRCh37 (hg19) VCF-style: chr2-109382118-A-G.
Other names: short protein forms E1708G.
Identifiers: ClinVar variation 1025983 (VCV001025983.9), dbSNP rs150813785, ClinGen allele CA1823225.
Genomic context (GRCh38, chr2:108,765,662, plus strand): 5'-GTCAGAATCCAGGTAAACAAAATCAAACTACTTCTGCAGTTTCAACACCTGCCTCTTCAG[A>G]GACAAGCAAGGCTCCAAAGAGCGGATTTGAGGGAATGTTCACTAAGAAGGAAGGACAGTG-3'
Protein context (NP_006258.3, residues 1698-1718): TSAVSTPASS[Glu1708Gly]TSKAPKSGFE

ClinVar aggregate classification (germline): Uncertain significance (1 of 4 stars; one submission).

Conditions:
Familial acute necrotizing encephalopathy (IIAE3). Also called: ENCEPHALOPATHY, ACUTE, INFECTION-INDUCED, SUSCEPTIBILITY TO, 3; Susceptibility to Acute Necrotizing Encephalopathy 1. Identifiers: Orphanet 88619, MedGen C2675556, MONDO:0011953, OMIM 608033.

Allele frequency attached by ClinVar (database versions not stated): ExAC 0.00001; gnomAD 0.00001; gnomAD exomes 0.00001; TOPMed 0.00002; ESP Exome Variant Server 0.00008.
gnomAD v4.1: 7 of 1,607,800 alleles (0.00044%); highest among the groups gnomAD compares: Non-Finnish European, 0.00051%; no homozygotes.

Submission:

Labcorp Genetics (formerly Invitae), Labcorp
Classification: Uncertain significance for Familial acute necrotizing encephalopathy. Last evaluated: 2021-02-09. Review status: criteria provided, single submitter. Criteria: Invitae Variant Classification Sherloc (09022015). Collection method: clinical testing. Allele origin: germline.
Comment: In summary, the available evidence is currently insufficient to determine the role of this variant in disease. Therefore, it has been classified as a Variant of Uncertain Significance. Algorithms developed to predict the effect of missense changes on protein structure and function are either unavailable or do not agree on the potential impact of this missense change (SIFT: "Deleterious"; PolyPhen-2: "Possibly Damaging"; Align-GVGD: "Class C0"). This variant has not been reported in the literature in individuals with RANBP2-related conditions. This variant is present in population databases (rs150813785, ExAC 0.002%). This sequence change replaces glutamic acid with glycine at codon 1708 of the RANBP2 protein (p.Glu1708Gly). The glutamic acid residue is highly conserved and there is a moderate physicochemical difference between glutamic acid and glycine.